The following is an entry in ClinVar:

ClinVar aggregate classification (germline): Likely benign (1 of 4 stars; one submission).

Allele frequency attached by ClinVar (database versions not stated): 1000 Genomes Project 30x 0.00021; 1000 Genomes Project 0.00026; TOPMed 0.00043; gnomAD 0.00047; gnomAD exomes 0.00084.
gnomAD v4.1: 777 of 980,164 alleles (0.079%); highest among the groups gnomAD compares: Non-Finnish European, 0.1%; no homozygotes.

Submission:

CeGaT Center for Human Genetics Tuebingen
Classification: Likely benign. Last evaluated: 2023-11-01. Review status: criteria provided, single submitter. Criteria: CeGaT Center For Human Genetics Tuebingen Variant Classification Criteria Version 2. Collection method: clinical testing. Allele origin: germline. Affected: yes. Observed: 5 variant alleles.
Comment: BCORL1: BP4, BS2

NM_001379451.1(BCORL1):c.4306-4C>T

Gene: BCORL1 (BCL6 corepressor like 1; plus strand). Cytogenetic location: Xq26.1.
Variant type: single nucleotide variant.
Coding change: c.4306-4C>T on transcript NM_001379451.1 (MANE Select); 4 bases into the intron before coding-DNA position 4306, C replaced by T.
Molecular consequence: intron variant.
Genome position (GRCh38, 1-based): chrX:130,034,451, C>T. VCF-style: chrX-130034451-C-T. GRCh37 (hg19) VCF-style: chrX-129168426-C-T.
Other names: c.4306-4C>T (NM_001184772.3, NM_001379450.1); c.4306-2916C>T (NM_021946.5).
Identifiers: ClinVar variation 2661425 (VCV002661425.24), dbSNP rs183320708, ClinGen allele CA335100380.